The following is an entry in ClinVar:

ClinVar aggregate classification (germline): Pathogenic. Review status: criteria provided, multiple submitters, no conflicts (2 of 4 stars). 2 submissions from 2 submitters: Pathogenic (2). Last evaluated 2025-12-08.

Conditions:
Autosomal recessive spinocerebellar ataxia 10. Identifiers: Orphanet 284289, MedGen C3150998, MONDO:0013392, OMIM 613728.

Allele frequency attached by ClinVar (database versions not stated): gnomAD exomes below 0.00001; TOPMed below 0.00001.
gnomAD v4.1: 2 of 1,614,138 alleles (0.00012%); highest among the groups gnomAD compares: Non-Finnish European, 0.00017%; no homozygotes.

Submissions (2):

Myriad Genetics, Inc.
Classification: Pathogenic for Autosomal recessive spinocerebellar ataxia 10. Last evaluated: 2025-12-08. Review status: criteria provided, single submitter. Criteria: Myriad Autosomal Dominant, Autosomal Recessive and X-Linked Classification Criteria (2023). Collection method: clinical testing. Allele origin: unknown.
Comment: NM_018075.3(ANO10):c.758G>A(W253*) is expected to be pathogenic in the context of spinocerebellar ataxia, ANO10-related. This variant is predicted to lead to an abnormal or absent protein product due to the creation of a premature termination codon in ANO10, a gene where loss-of-function variants are known to be pathogenic. Please note: this variant was assessed in the context of healthy population screening.

Labcorp Genetics (formerly Invitae), Labcorp
Classification: Pathogenic. Last evaluated: 2023-04-06. Review status: criteria provided, single submitter. Criteria: Invitae Variant Classification Sherloc (09022015). Collection method: clinical testing. Allele origin: germline.
Comment: This sequence change creates a premature translational stop signal (p.Trp253*) in the ANO10 gene. It is expected to result in an absent or disrupted protein product. Loss-of-function variants in ANO10 are known to be pathogenic (PMID: 25089919). This variant is not present in population databases (gnomAD no frequency). This variant has not been reported in the literature in individuals affected with ANO10-related conditions. Algorithms developed to predict the effect of sequence changes on RNA splicing suggest that this variant may create or strengthen a splice site. For these reasons, this variant has been classified as Pathogenic.

Literature cited by the submitters: PubMed 25089919 (cited by Labcorp Genetics (formerly Invitae), Labcorp).

NM_018075.5(ANO10):c.758G>A (p.Trp253Ter)

Gene: ANO10 (anoctamin 10; minus strand). Cytogenetic location: 3p22.1.
Variant type: single nucleotide variant.
Coding change: c.758G>A on transcript NM_018075.5 (MANE Select); coding-DNA position 758, G replaced by A.
Protein change: p.Trp253Ter; replaces tryptophan 253 with a stop codon.
Molecular consequence: nonsense. On other transcripts: intron variant (1).
Genome position (GRCh38, 1-based): chr3:43,577,096, C>T on the plus strand (G>A on the coding strand, the complement: ANO10 is on the minus strand). VCF-style: chr3-43577096-C-T. GRCh37 (hg19) VCF-style: chr3-43618588-C-T.
Other names: c.758G>A, p.Trp253Ter (NM_001204831.3, NM_001346463.2, NM_001346464.2 and 3 more transcripts); c.560G>A, p.Trp187Ter (NM_001204832.3, NM_001346466.2, NM_001346469.2); c.425G>A, p.Trp142Ter (NM_001204833.3); c.593-2232G>A (NM_001204834.3); short protein forms W187*, W142*, W253*.
Identifiers: ClinVar variation 2852336 (VCV002852336.4), dbSNP rs2081044754, ClinGen allele CA352344016.